The following is an entry in ClinVar:

NM_033004.4(NLRP1):c.1078C>T (p.Arg360Cys)

Gene: NLRP1 (NLR family pyrin domain containing 1; minus strand). Cytogenetic location: 17p13.2.
Variant type: single nucleotide variant.
Coding change: c.1078C>T on transcript NM_033004.4 (MANE Select); coding-DNA position 1078, C replaced by T.
Protein change: p.Arg360Cys; replaces arginine 360 with cysteine.
Molecular consequence: missense variant.
Genome position (GRCh38, 1-based): chr17:5,559,618, G>A on the plus strand (C>T on the coding strand, the complement: NLRP1 is on the minus strand). VCF-style: chr17-5559618-G-A. GRCh37 (hg19) VCF-style: chr17-5462938-G-A.
Other names: c.1078C>T, p.Arg360Cys (NM_001033053.3, NM_014922.5, NM_033006.4 and 1 more transcripts); short protein forms R360C.
Identifiers: ClinVar variation 1011067 (VCV001011067.8), dbSNP rs750869483, ClinGen allele CA8327434.
Genomic context (GRCh38, chr17:5,559,618, plus strand): 5'-GACTCACCACCTTGGACTGGGCCAGCTCTCTGCAGCTGAAGTAGAAGACATGCTGGAAGC[G>A]GTCCCCATACAGCTGGCCTCTCCCCCAGGCTTCCTTCACCTGCCTGGCCAGTGTTGACTT-3'
Protein context (NP_127497.1, residues 350-370): AWGRGQLYGD[Arg360Cys]FQHVFYFSCR

ClinVar aggregate classification (germline): Uncertain significance (1 of 4 stars; one submission).

Allele frequency attached by ClinVar (database versions not stated): TOPMed below 0.00001; ExAC 0.00001; gnomAD 0.00001; gnomAD exomes 0.00001.
gnomAD v4.1: 27 of 1,614,074 alleles (0.0017%); highest among the groups gnomAD compares: Middle Eastern, 0.016%; no homozygotes.

Submission:

Labcorp Genetics (formerly Invitae), Labcorp
Classification: Uncertain significance. Last evaluated: 2020-10-07. Review status: criteria provided, single submitter. Criteria: Invitae Variant Classification Sherloc (09022015). Collection method: clinical testing. Allele origin: germline.
Comment: Algorithms developed to predict the effect of missense changes on protein structure and function output the following: SIFT: "Tolerated"; PolyPhen-2: "Benign"; Align-GVGD: "Class C0". The cysteine amino acid residue is found in multiple mammalian species, suggesting that this missense change does not adversely affect protein function. These predictions have not been confirmed by published functional studies and their clinical significance is uncertain. This sequence change replaces arginine with cysteine at codon 360 of the NLRP1 protein (p.Arg360Cys). The arginine residue is moderately conserved and there is a large physicochemical difference between arginine and cysteine. This variant is present in population databases (rs750869483, ExAC 0.01%). This variant has not been reported in the literature in individuals with NLRP1-related conditions. In summary, the available evidence is currently insufficient to determine the role of this variant in disease. Therefore, it has been classified as a Variant of Uncertain Significance.